The following is an entry in ClinVar:

NM_004336.5(BUB1):c.386A>G (p.Gln129Arg)

Gene: BUB1 (BUB1 mitotic checkpoint serine/threonine kinase; minus strand). Cytogenetic location: 2q13.
Variant type: single nucleotide variant.
Coding change: c.386A>G on transcript NM_004336.5 (MANE Select); coding-DNA position 386, A replaced by G.
Protein change: p.Gln129Arg; replaces glutamine 129 with arginine.
Molecular consequence: missense variant.
Genome position (GRCh38, 1-based): chr2:110,672,697, T>C on the plus strand (A>G on the coding strand, the complement: BUB1 is on the minus strand). VCF-style: chr2-110672697-T-C. GRCh37 (hg19) VCF-style: chr2-111430274-T-C.
Other names: c.326A>G, p.Gln109Arg (NM_001278616.2); c.386A>G, p.Gln129Arg (NM_001278617.2); short protein forms Q109R, Q129R.
Identifiers: ClinVar variation 3262107 (VCV003262107.1).
Genomic context (GRCh38, chr2:110,672,697, plus strand): 5'-CAGAGAGTTTGACTTTGTAACTACCTGTATTGTTGTTGCAGGAACTCTCTGGGTTCAGCC[T>C]GGTTTTGAATTCCTCTCTGAAGGACAGCACTGGCATGCTGCAGCTCTCCTTGGGCTTCCA-3'
Protein context (NP_004327.1, residues 119-139): SAVLQRGIQN[Gln129Arg]AEPREFLQQQ

ClinVar aggregate classification (germline): Uncertain significance (1 of 4 stars; one submission).

gnomAD v4.1: 1 of 1,607,912 alleles (0.000062%); highest among the groups gnomAD compares: African/African-American, 0.0013%; no homozygotes.

Submission:

Ambry Genetics
Classification: Uncertain significance. Last evaluated: 2024-06-16. Review status: criteria provided, single submitter. Criteria: Ambry Variant Classification Scheme 2023. Collection method: clinical testing. Allele origin: germline.
Comment: The p.Q129R variant (also known as c.386A>G), located in coding exon 4 of the BUB1 gene, results from an A to G substitution at nucleotide position 386. The glutamine at codon 129 is replaced by arginine, an amino acid with highly similar properties. This amino acid position is conserved. In addition, this alteration is predicted to be tolerated by in silico analysis. Based on the available evidence, the clinical significance of this variant remains unclear.